The following is an entry in ClinVar:

ClinVar aggregate classification (germline): Uncertain significance (0 of 4 stars; one submission).

Conditions:
COL4A2-related disorder. Also called: COL4A2-related disorders; COL4A2-related condition.

gnomAD v4.1: 2 of 1,613,960 alleles (0.00012%); highest among the groups gnomAD compares: Non-Finnish European, 0.000085%; no homozygotes.

Submission:

PreventionGenetics, part of Exact Sciences
Classification: Uncertain significance for COL4A2-related condition. Last evaluated: 2024-06-20. Review status: no assertion criteria provided. Collection method: clinical testing. Allele origin: germline.
Comment: The COL4A2 c.2039G>T variant is predicted to result in the amino acid substitution p.Gly680Val. To our knowledge, this variant has not been reported in the literature. This variant is reported in 0.00088% of alleles in individuals of European (Non-Finnish) descent in gnomAD. At this time, the clinical significance of this variant is uncertain due to the absence of conclusive functional and genetic evidence.

NM_001846.4(COL4A2):c.2039G>T (p.Gly680Val)

Gene: COL4A2 (collagen type IV alpha 2 chain; plus strand). Cytogenetic location: 13q34.
Variant type: single nucleotide variant.
Coding change: c.2039G>T on transcript NM_001846.4 (MANE Select); coding-DNA position 2039, G replaced by T.
Protein change: p.Gly680Val; replaces glycine 680 with valine.
Molecular consequence: missense variant.
Genome position (GRCh38, 1-based): chr13:110,467,040, G>T. VCF-style: chr13-110467040-G-T. GRCh37 (hg19) VCF-style: chr13-111119387-G-T.
Other names: short protein forms G680V.
Identifiers: ClinVar variation 3344124 (VCV003344124.1).